The following is an entry in ClinVar:

ClinVar aggregate classification (germline): Conflicting classifications of pathogenicity. Review status: criteria provided, conflicting classifications (1 of 4 stars). 2 submissions from 2 submitters: Uncertain significance (1); Likely benign (1). Last evaluated 2022-05-27.

Conditions:
Inborn genetic diseases. Identifiers: MedGen C0950123, MeSH D030342.

Allele frequency attached by ClinVar (database versions not stated): gnomAD 0.00001; gnomAD exomes 0.00001.
gnomAD v4.1: 14 of 1,613,632 alleles (0.00087%); highest among the groups gnomAD compares: Admixed American, 0.0017%; no homozygotes.

Submissions (2):

Labcorp Genetics (formerly Invitae), Labcorp
Classification: Uncertain significance. Last evaluated: 2022-05-27. Review status: criteria provided, single submitter. Criteria: Invitae Variant Classification Sherloc (09022015). Collection method: clinical testing. Allele origin: germline.
Comment: This sequence change replaces arginine, which is basic and polar, with glutamine, which is neutral and polar, at codon 185 of the ERCC2 protein (p.Arg185Gln). This variant is present in population databases (no rsID available, gnomAD 0.003%). This variant has not been reported in the literature in individuals affected with ERCC2-related conditions. Algorithms developed to predict the effect of missense changes on protein structure and function output the following: SIFT: "Tolerated"; PolyPhen-2: "Benign"; Align-GVGD: "Class C0". The glutamine amino acid residue is found in multiple mammalian species, which suggests that this missense change does not adversely affect protein function. In summary, the available evidence is currently insufficient to determine the role of this variant in disease. Therefore, it has been classified as a Variant of Uncertain Significance.

Ambry Genetics
Classification: Likely benign for Inborn genetic diseases. Last evaluated: 2021-07-05. Review status: criteria provided, single submitter. Criteria: Ambry Variant Classification Scheme 2023. Collection method: clinical testing. Allele origin: germline.

NM_000400.4(ERCC2):c.554G>A (p.Arg185Gln)

Gene: ERCC2 (ERCC excision repair 2, TFIIH core complex helicase subunit; minus strand). Cytogenetic location: 19q13.32.
Variant type: single nucleotide variant.
Coding change: c.554G>A on transcript NM_000400.4 (MANE Select); coding-DNA position 554, G replaced by A.
Protein change: p.Arg185Gln; replaces arginine 185 with glutamine.
Molecular consequence: missense variant.
Genome position (GRCh38, 1-based): chr19:45,364,878, C>T on the plus strand (G>A on the coding strand, the complement: ERCC2 is on the minus strand). VCF-style: chr19-45364878-C-T. GRCh37 (hg19) VCF-style: chr19-45868136-C-T.
Other names: c.482G>A, p.Arg161Gln (NM_001130867.2); short protein forms R185Q, R161Q.
Identifiers: ClinVar variation 1748234 (VCV001748234.6), dbSNP rs1451258340, ClinGen allele CA406375670.